The following is an entry in ClinVar:

NM_018406.7(MUC4):c.15777G>A (p.Ala5259=)

Gene: MUC4 (mucin 4, cell surface associated). Cytogenetic location: 3q29.
Variant type: single nucleotide variant.
Coding change: c.15777G>A on transcript NM_018406.7 (MANE Select); coding-DNA position 15777, G replaced by A.
Protein change: p.Ala5259=; no amino-acid change (alanine 5259 retained).
Molecular consequence: synonymous variant.
Genome position (GRCh38, 1-based): chr3:195,750,983, C>T on the plus strand (G>A on the coding strand, the complement: MUC4 is on the minus strand). VCF-style: chr3-195750983-C-T. GRCh37 (hg19) VCF-style: chr3-195477854-C-T.
Other names: c.21795G>A, p.Ala7265= (NM_001322468.1); c.3069G>A, p.Ala1023= (NM_004532.6); c.2916G>A, p.Ala972= (NM_138297.5).
Identifiers: ClinVar variation 2654372 (VCV002654372.24), dbSNP rs182298170, ClinGen allele CA2767376.

ClinVar aggregate classification (germline): Likely benign (1 of 4 stars; one submission).

Allele frequency attached by ClinVar (database versions not stated): gnomAD 0.00002; TOPMed 0.00004; ExAC 0.00005; 1000 Genomes Project 30x 0.00016; 1000 Genomes Project 0.00020.
gnomAD v4.1: 54 of 1,613,986 alleles (0.0033%); highest among the groups gnomAD compares: Admixed American, 0.01%; no homozygotes.

Submission:

CeGaT Center for Human Genetics Tuebingen
Classification: Likely benign. Last evaluated: 2022-06-01. Review status: criteria provided, single submitter. Criteria: CeGaT Center For Human Genetics Tuebingen Variant Classification Criteria Version 2. Collection method: clinical testing. Allele origin: germline. Affected: yes. Observed: 1 variant allele.
Comment: MUC4: BP4, BP7